The following is an entry in ClinVar:

NM_006218.4(PIK3CA):c.3203A>T (p.Asn1068Ile)

Gene: PIK3CA (phosphatidylinositol-4,5-bisphosphate 3-kinase catalytic subunit alpha; plus strand). Cytogenetic location: 3q26.32.
Variant type: single nucleotide variant.
Coding change: c.3203A>T on transcript NM_006218.4 (MANE Select); coding-DNA position 3203, A replaced by T.
Protein change: p.Asn1068Ile; replaces asparagine 1068 with isoleucine.
Molecular consequence: missense variant.
Genome position (GRCh38, 1-based): chr3:179,234,360, A>T. VCF-style: chr3-179234360-A-T. GRCh37 (hg19) VCF-style: chr3-178952148-A-T.
Other names: short protein forms N1068I.
Identifiers: ClinVar variation 946615 (VCV000946615.10), dbSNP rs1725284914, ClinGen allele CA355286079.

ClinVar aggregate classification (germline): Uncertain significance (1 of 4 stars; one submission).

Conditions:
Cowden syndrome (CS). Also called: Cowden's disease; Cowden's syndrome; Cowden disease. Identifiers: Orphanet 201, MedGen C0018553, MONDO:0016063. Disease mechanism: gain of function.

Submission:

Labcorp Genetics (formerly Invitae), Labcorp
Classification: Uncertain significance for Cowden syndrome. Last evaluated: 2019-03-29. Review status: criteria provided, single submitter. Criteria: Invitae Variant Classification Sherloc (09022015). Collection method: clinical testing. Allele origin: germline.
Comment: This sequence change replaces asparagine with isoleucine at codon 1068 of the PIK3CA protein (p.Asn1068Ile). The asparagine residue is highly conserved and there is a large physicochemical difference between asparagine and isoleucine. This variant is not present in population databases (ExAC no frequency). This variant has not been reported in the literature in individuals with PIK3CA-related conditions. Algorithms developed to predict the effect of missense changes on protein structure and function are either unavailable or do not agree on the potential impact of this missense change (SIFT: "Deleterious"; PolyPhen-2: "Benign"; Align-GVGD: "Class C0"). In summary, the available evidence is currently insufficient to determine the role of this variant in disease. Therefore, it has been classified as a Variant of Uncertain Significance.